The following is an entry in ClinVar:

ClinVar aggregate classification (germline): Likely benign (1 of 4 stars; one submission).

Submission:

CeGaT Center for Human Genetics Tuebingen
Classification: Likely benign. Last evaluated: 2026-09-01. Review status: criteria provided, single submitter. Criteria: CeGaT Center For Human Genetics Tuebingen Variant Classification Criteria Version 2. Collection method: clinical testing. Allele origin: germline. Affected: yes. Observed: 1 variant allele.
Comment: KCNH2: BP4, BP7

NM_000238.4(KCNH2):c.2398+200C>T

Gene: KCNH2 (potassium voltage-gated channel subfamily H member 2; minus strand). Cytogenetic location: 7q36.1.
Variant type: single nucleotide variant.
Coding change: c.2398+200C>T on transcript NM_000238.4 (MANE Select); 200 bases into the intron after coding-DNA position 2398, C replaced by T.
Molecular consequence: intron variant. On other transcripts: synonymous variant (5).
Genome position (GRCh38, 1-based): chr7:150,949,968, G>A on the plus strand (C>T on the coding strand, the complement: KCNH2 is on the minus strand). VCF-style: chr7-150949968-G-A. GRCh37 (hg19) VCF-style: chr7-150647056-G-A.
Other names: c.1578C>T, p.Leu526= (NM_001204798.2); c.2421C>T, p.Leu807= (NM_001406755.1); c.2310C>T, p.Leu770= (NM_001406756.1); c.2298C>T, p.Leu766= (NM_001406757.1); c.2598C>T, p.Leu866= (NM_172056.3); c.2110+200C>T (NM_001406753.1); c.1378+200C>T (NM_172057.3).
Identifiers: ClinVar variation 5041856 (VCV005041856.1).